The following is an entry in ClinVar:

ClinVar aggregate classification (germline): Conflicting classifications of pathogenicity. Review status: criteria provided, conflicting classifications (1 of 4 stars). 3 submissions from 3 submitters: Uncertain significance (2); Benign (1). Last evaluated 2025-07-07.

Conditions:
Tuberous sclerosis 2 (TSC2). Identifiers: Orphanet 805, MedGen C1860707, MONDO:0013199, OMIM 613254.
Hereditary cancer-predisposing syndrome. Also called: Hereditary neoplastic syndrome; Neoplastic Syndromes, Hereditary; Hereditary Cancer Syndrome; Tumor predisposition. Identifiers: Orphanet 140162, MedGen C0027672, MeSH D009386, MONDO:0015356.
Tuberous sclerosis syndrome (TSC). Also called: Tuberous sclerosis; Tuberous Sclerosis Complex. Identifiers: Orphanet 805, MedGen C0041341, MONDO:0001734.

Allele frequency attached by ClinVar (database versions not stated): gnomAD exomes below 0.00001.
gnomAD v4.1: 2 of 1,611,536 alleles (0.00012%); highest among the groups gnomAD compares: Non-Finnish European, 0.00017%; no homozygotes.

Submissions (3):

Color Diagnostics, LLC DBA Color Health
Classification: Uncertain significance for Tuberous sclerosis syndrome. Last evaluated: 2025-07-07. Review status: criteria provided, single submitter. Criteria: ACMG Guidelines, 2015. Collection method: clinical testing. Allele origin: germline.
Comment: This missense variant replaces glutamic acid with alanine at codon 1679 of the TSC2 protein. Computational prediction is inconclusive regarding the impact of this variant on protein structure and function. To our knowledge, functional studies have not been reported for this variant. This variant has not been reported in individuals affected with TSC2-related disorders in the literature. This variant has been identified in 1/249658 chromosomes in the general population by the Genome Aggregation Database (gnomAD). The available evidence is insufficient to determine the role of this variant in disease conclusively. Therefore, this variant is classified as a Variant of Uncertain Significance.

Labcorp Genetics (formerly Invitae), Labcorp
Classification: Benign for Tuberous sclerosis 2. Last evaluated: 2025-06-03. Review status: criteria provided, single submitter. Criteria: Invitae Variant Classification Sherloc (09022015). Collection method: clinical testing. Allele origin: germline.

Ambry Genetics
Classification: Uncertain significance for Hereditary cancer-predisposing syndrome. Last evaluated: 2021-01-22. Review status: criteria provided, single submitter. Criteria: Ambry Variant Classification Scheme 2023. Collection method: clinical testing. Allele origin: germline.
Comment: The p.E1679A variant (also known as c.5036A>C), located in coding exon 38 of the TSC2 gene, results from an A to C substitution at nucleotide position 5036. The glutamic acid at codon 1679 is replaced by alanine, an amino acid with dissimilar properties. This amino acid position is not well conserved in available vertebrate species. In addition, the in silico prediction for this alteration is inconclusive. Since supporting evidence is limited at this time, the clinical significance of this alteration remains unclear.

NM_000548.5(TSC2):c.5036A>C (p.Glu1679Ala)

Gene: TSC2 (TSC complex subunit 2; plus strand). Cytogenetic location: 16p13.3.
Variant type: single nucleotide variant.
Coding change: c.5036A>C on transcript NM_000548.5 (MANE Select); coding-DNA position 5036, A replaced by C.
Protein change: p.Glu1679Ala; replaces glutamic acid 1679 with alanine.
Molecular consequence: missense variant.
Genome position (GRCh38, 1-based): chr16:2,087,909, A>C. VCF-style: chr16-2087909-A-C. GRCh37 (hg19) VCF-style: chr16-2137910-A-C.
Other names: c.4835A>C, p.Glu1612Ala (NM_001077183.3); c.4967A>C, p.Glu1656Ala (NM_001114382.3); c.4727A>C, p.Glu1576Ala (NM_001318827.2); c.4691A>C, p.Glu1564Ala (NM_001318829.2); c.4304A>C, p.Glu1435Ala (NM_001318831.2); c.4868A>C, p.Glu1623Ala (NM_001318832.2); c.4838A>C, p.Glu1613Ala (NM_001363528.2); c.4904A>C, p.Glu1635Ala (NM_001370404.1); and 1 more; short protein forms E1679A, E1435A, E1576A, E1623A, E1635A, E1612A, E1636A, E1564A.
Identifiers: ClinVar variation 570371 (VCV000570371.11), dbSNP rs1389903110, ClinGen allele CA394311365.